The following is an entry in ClinVar:

ClinVar aggregate classification (germline): Uncertain significance. Review status: criteria provided, multiple submitters, no conflicts (2 of 4 stars). 3 submissions from 3 submitters: Uncertain significance (3). Last evaluated 2025-10-27.

Conditions:
Inborn genetic diseases. Identifiers: MedGen C0950123, MeSH D030342.

Allele frequency attached by ClinVar (database versions not stated): gnomAD exomes 0.00001 and 0.00002; ExAC 0.00002; ESP Exome Variant Server 0.00008; gnomAD 0.00009; TOPMed 0.00011; 1000 Genomes Project 30x 0.00016; 1000 Genomes Project 0.00020.
gnomAD v4.1: 35 of 1,614,150 alleles (0.0022%); highest among the groups gnomAD compares: African/African-American, 0.037%; no homozygotes.

Submissions (3):

Labcorp Genetics (formerly Invitae), Labcorp
Classification: Uncertain significance. Last evaluated: 2025-10-27. Review status: criteria provided, single submitter. Criteria: Invitae Variant Classification Sherloc (09022015). Collection method: clinical testing. Allele origin: germline.
Comment: This sequence change replaces glutamic acid, which is acidic and polar, with lysine, which is basic and polar, at codon 661 of the COMP protein (p.Glu661Lys). This variant is present in population databases (rs372414886, gnomAD 0.02%). This variant has not been reported in the literature in individuals affected with COMP-related conditions. ClinVar contains an entry for this variant (Variation ID: 597282). Invitae Evidence Modeling of protein sequence and biophysical properties (such as structural, functional, and spatial information, amino acid conservation, physicochemical variation, residue mobility, and thermodynamic stability) indicates that this missense variant is not expected to disrupt COMP protein function with a negative predictive value of 80%. In summary, the available evidence is currently insufficient to determine the role of this variant in disease. Therefore, it has been classified as a Variant of Uncertain Significance.

Ambry Genetics
Classification: Uncertain significance for Inborn genetic diseases. Last evaluated: 2022-12-28. Review status: criteria provided, single submitter. Criteria: Ambry Variant Classification Scheme 2023. Collection method: clinical testing. Allele origin: germline.

Eurofins Ntd Llc (ga)
Classification: Uncertain significance. Last evaluated: 2018-05-16. Review status: criteria provided, single submitter. Criteria: EGL ClinVar v180209 classification definitions. Collection method: clinical testing. Allele origin: germline. Observed: 1 variant allele, 1 heterozygote.

NM_000095.3(COMP):c.1981G>A (p.Glu661Lys)

Gene: COMP (cartilage oligomeric matrix protein; minus strand). Cytogenetic location: 19p13.11.
Variant type: single nucleotide variant.
Coding change: c.1981G>A on transcript NM_000095.3 (MANE Select); coding-DNA position 1981, G replaced by A.
Protein change: p.Glu661Lys; replaces glutamic acid 661 with lysine.
Molecular consequence: missense variant.
Genome position (GRCh38, 1-based): chr19:18,784,297, C>T on the plus strand (G>A on the coding strand, the complement: COMP is on the minus strand). VCF-style: chr19-18784297-C-T. GRCh37 (hg19) VCF-style: chr19-18895107-C-T.
Other names: c.1981G>A (NM_000095.2); short protein forms E661K.
Identifiers: ClinVar variation 597282 (VCV000597282.7), dbSNP rs372414886, ClinGen allele CA9316212.
Genomic context (GRCh38, chr19:18,784,297, plus strand): 5'-ACTTCTTGTCCTTCCAACCCACGTTTCGCGGGTCCTTCCACAGCAGCCGCACCTGGGACT[C>T]TGTGTCTCCTGTATGCCACAGAGCGTTCCGCAGCTGTTCCCCGGGGCCTGTGGAAGACTT-3'
Protein context (NP_000086.2, residues 651-671): RNALWHTGDT[Glu661Lys]SQVRLLWKDP